The following is an entry in ClinVar:

ClinVar aggregate classification (germline): Uncertain significance (1 of 4 stars; one submission).

Allele frequency attached by ClinVar (database versions not stated): ExAC 0.00001; gnomAD 0.00001 and 0.00002; gnomAD exomes 0.00001; TOPMed 0.00002.
gnomAD v4.1: 21 of 1,614,172 alleles (0.0013%); highest among the groups gnomAD compares: Middle Eastern, 0.016%; no homozygotes.

Submission:

Labcorp Genetics (formerly Invitae), Labcorp
Classification: Uncertain significance. Last evaluated: 2025-03-06. Review status: criteria provided, single submitter. Criteria: Invitae Variant Classification Sherloc (09022015). Collection method: clinical testing. Allele origin: germline.
Comment: This sequence change replaces alanine, which is neutral and non-polar, with threonine, which is neutral and polar, at codon 405 of the MOCS3 protein (p.Ala405Thr). This variant is present in population databases (rs780328461, gnomAD 0.004%). This variant has not been reported in the literature in individuals affected with MOCS3-related conditions. ClinVar contains an entry for this variant (Variation ID: 1422455). An algorithm developed to predict the effect of missense changes on protein structure and function (PolyPhen-2) suggests that this variant is likely to be tolerated. In summary, the available evidence is currently insufficient to determine the role of this variant in disease. Therefore, it has been classified as a Variant of Uncertain Significance.

NM_014484.5(MOCS3):c.1213G>A (p.Ala405Thr)

Gene: MOCS3 (molybdenum cofactor synthesis 3; plus strand). Cytogenetic location: 20q13.13.
Variant type: single nucleotide variant.
Coding change: c.1213G>A on transcript NM_014484.5 (MANE Select); coding-DNA position 1213, G replaced by A.
Protein change: p.Ala405Thr; replaces alanine 405 with threonine.
Molecular consequence: missense variant.
Genome position (GRCh38, 1-based): chr20:50,960,055, G>A. VCF-style: chr20-50960055-G-A. GRCh37 (hg19) VCF-style: chr20-49576592-G-A.
Other names: short protein forms A405T.
Identifiers: ClinVar variation 1422455 (VCV001422455.8), dbSNP rs780328461, ClinGen allele CA9909555.